The following is an entry in ClinVar:

NM_006516.4(SLC2A1):c.894C>T (p.Phe298=)

Gene: SLC2A1 (solute carrier family 2 member 1; minus strand). Cytogenetic location: 1p34.2.
Variant type: single nucleotide variant.
Coding change: c.894C>T on transcript NM_006516.4 (MANE Select); coding-DNA position 894, C replaced by T.
Protein change: p.Phe298=; no amino-acid change (phenylalanine 298 retained).
Molecular consequence: synonymous variant.
Genome position (GRCh38, 1-based): chr1:42,929,288, G>A on the plus strand (C>T on the coding strand, the complement: SLC2A1 is on the minus strand). VCF-style: chr1-42929288-G-A. GRCh37 (hg19) VCF-style: chr1-43394959-G-A.
Other names: p.F298F:TTC>TTT; p.Phe298=; c.894C>T (NM_006516.3).
Identifiers: ClinVar variation 139163 (VCV000139163.58), dbSNP rs140825318, ClinGen allele CA019347.
Genomic context (GRCh38, chr1:42,929,288, plus strand): 5'-CGTGTTGACGATACCGGAGCCAATGGTGGCATACACAGGCTGCTGCACCCCCGCCTTCTC[G>A]AAGATGCTCGTGGAGTAATAGAAGACCTGCCAGACAAGAGAAACTGTTGGGGCCTACCTG-3'
Protein context (NP_006507.2, residues 288-308): NAVFYYSTSI[Phe298=]EKAGVQQPVY

ClinVar aggregate classification (germline): Conflicting classifications of pathogenicity. Review status: criteria provided, conflicting classifications (1 of 4 stars). 8 submissions from 8 submitters: Uncertain significance (1); Benign (1); Likely benign (6). Last evaluated 2026-02-03.

Conditions:
SLC2A1-related disorder. Also called: SLC2A1-related condition; SLC2A1-related disorders.
Inborn genetic diseases. Identifiers: MedGen C0950123, MeSH D030342.
GLUT1 deficiency syndrome 1, autosomal recessive. Identifiers: MedGen C3149117.

Allele frequency attached by ClinVar (database versions not stated): gnomAD exomes 0.00008 and 0.00014; ExAC 0.00014; 1000 Genomes Project 30x 0.00016; 1000 Genomes Project 0.00020; TOPMed 0.00059; gnomAD 0.00063 and 0.00073; ESP Exome Variant Server 0.00085.
gnomAD v4.1: 216 of 1,613,262 alleles (0.013%); highest among the groups gnomAD compares: African/African-American, 0.24%; no homozygotes.

Submissions (8):

Labcorp Genetics (formerly Invitae), Labcorp
Classification: Likely benign for GLUT1 deficiency syndrome 1, autosomal recessive. Last evaluated: 2026-02-03. Review status: criteria provided, single submitter. Criteria: Invitae Variant Classification Sherloc (09022015). Collection method: clinical testing. Allele origin: germline.

Mayo Clinic Laboratories, Mayo Clinic
Classification: Likely benign. Last evaluated: 2025-10-28. Review status: criteria provided, single submitter. Criteria: ACMG Guidelines, 2015. Collection method: clinical testing. Allele origin: germline. Observed: 2 variant alleles.
Comment: BP4, BP7

PreventionGenetics, part of Exact Sciences
Classification: Likely benign for SLC2A1-related condition. Last evaluated: 2025-02-10. Review status: criteria provided, single submitter. Criteria: ACMG Guidelines, 2015. Collection method: clinical testing. Allele origin: germline.
Comment: This variant is classified as likely benign based on ACMG/AMP sequence variant interpretation guidelines (Richards et al. 2015 PMID: 25741868, with internal and published modifications).

Blueprint Genetics
Classification: Likely benign. Last evaluated: 2024-04-12. Review status: criteria provided, single submitter. Criteria: ACMG Guidelines, 2015. Collection method: clinical testing. Allele origin: germline.

CeGaT Center for Human Genetics Tuebingen
Classification: Likely benign. Last evaluated: 2020-10-01. Review status: criteria provided, single submitter. Criteria: CeGaT Center For Human Genetics Tuebingen Variant Classification Criteria Version 2. Collection method: clinical testing. Allele origin: germline. Affected: yes. Observed: 1 variant allele.

Ambry Genetics
Classification: Likely benign for Inborn genetic diseases. Last evaluated: 2018-05-15. Review status: criteria provided, single submitter. Criteria: Ambry Variant Classification Scheme 2023. Collection method: clinical testing. Allele origin: germline.

Eurofins Ntd Llc (ga)
Classification: Uncertain significance. Last evaluated: 2016-10-04. Review status: criteria provided, single submitter. Criteria: EGL Classification Definitions 2015. Collection method: clinical testing. Allele origin: germline. Observed: 1 variant allele, 1 heterozygote.

GeneDx
Classification: Benign. Last evaluated: 2013-06-21. Review status: criteria provided, single submitter. Criteria: GeneDx Variant Classification (06012015). Collection method: clinical testing. Allele origin: germline. Affected: yes.
Comment: This variant is considered likely benign or benign based on one or more of the following criteria: it is a conservative change, it occurs at a poorly conserved position in the protein, it is predicted to be benign by multiple in silico algorithms, and/or has population frequency not consistent with disease.